The following is an entry in ClinVar:

NM_001042492.3(NF1):c.6499A>C (p.Ile2167Leu)

Gene: NF1 (neurofibromin 1; plus strand). Cytogenetic location: 17q11.2.
Variant type: single nucleotide variant.
Coding change: c.6499A>C on transcript NM_001042492.3 (MANE Select); coding-DNA position 6499, A replaced by C.
Protein change: p.Ile2167Leu; replaces isoleucine 2167 with leucine.
Molecular consequence: missense variant.
Genome position (GRCh38, 1-based): chr17:31,337,439, A>C. VCF-style: chr17-31337439-A-C. GRCh37 (hg19) VCF-style: chr17-29664457-A-C.
Other names: c.6436A>C, p.Ile2146Leu (NM_000267.4); short protein forms I2146L, I2167L.
Identifiers: ClinVar variation 844679 (VCV000844679.6), dbSNP rs2069704731, ClinGen allele CA399013143.

ClinVar aggregate classification (germline): Uncertain significance. Review status: criteria provided, multiple submitters, no conflicts (2 of 4 stars). 2 submissions from 2 submitters: Uncertain significance (2). Last evaluated 2023-10-17.

Conditions:
Hereditary cancer-predisposing syndrome. Also called: Neoplastic Syndromes, Hereditary; Hereditary neoplastic syndrome; Tumor predisposition; Hereditary Cancer Syndrome. Identifiers: Orphanet 140162, MedGen C0027672, MeSH D009386, MONDO:0015356.
Cardiovascular phenotype. Identifiers: MedGen CN230736.
Neurofibromatosis, type 1 (NF1). Also called: Peripheral type neurofibromatosis; VON RECKLINGHAUSEN DISEASE; Neurofibromatosis, type I; NEUROFIBROMATOSIS, TYPE I, SOMATIC. Identifiers: Orphanet 636, MedGen C0027831, MONDO:0018975, OMIM 162200. Disease mechanism: loss of function.

Allele frequency attached by ClinVar (database versions not stated): gnomAD exomes below 0.00001.
gnomAD v4.1: 1 of 1,614,136 alleles (0.000062%); highest among the groups gnomAD compares: Non-Finnish European, 0.000085%; no homozygotes.

Submissions (2):

Labcorp Genetics (formerly Invitae), Labcorp
Classification: Uncertain significance for Neurofibromatosis, type 1. Last evaluated: 2023-10-17. Review status: criteria provided, single submitter. Criteria: Invitae Variant Classification Sherloc (09022015). Collection method: clinical testing. Allele origin: germline.
Comment: This sequence change replaces isoleucine, which is neutral and non-polar, with leucine, which is neutral and non-polar, at codon 2146 of the NF1 protein (p.Ile2146Leu). This variant is not present in population databases (gnomAD no frequency). This variant has not been reported in the literature in individuals affected with NF1-related conditions. ClinVar contains an entry for this variant (Variation ID: 844679). Advanced modeling of protein sequence and biophysical properties (such as structural, functional, and spatial information, amino acid conservation, physicochemical variation, residue mobility, and thermodynamic stability) has been performed at Invitae for this missense variant, however the output from this modeling did not meet the statistical confidence thresholds required to predict the impact of this variant on NF1 protein function. In summary, the available evidence is currently insufficient to determine the role of this variant in disease. Therefore, it has been classified as a Variant of Uncertain Significance.

Ambry Genetics
Classification: Uncertain significance for Cardiovascular phenotype; Hereditary cancer-predisposing syndrome. Last evaluated: 2022-11-26. Review status: criteria provided, single submitter. Criteria: Ambry Variant Classification Scheme 2023. Collection method: clinical testing. Allele origin: germline.
Comment: The p.I2146L variant (also known as c.6436A>C), located in coding exon 42 of the NF1 gene, results from an A to C substitution at nucleotide position 6436. The isoleucine at codon 2146 is replaced by leucine, an amino acid with highly similar properties. This amino acid position is conserved. In addition, the in silico prediction for this alteration is inconclusive. Since supporting evidence is limited at this time, the clinical significance of this alteration remains unclear.